The following is an entry in ClinVar:

NM_015202.5(KATNIP):c.320G>A (p.Arg107Gln)

Gene: KATNIP (katanin interacting protein; plus strand). Cytogenetic location: 16p12.1.
Variant type: single nucleotide variant.
Coding change: c.320G>A on transcript NM_015202.5 (MANE Select); coding-DNA position 320, G replaced by A.
Protein change: p.Arg107Gln; replaces arginine 107 with glutamine.
Molecular consequence: missense variant.
Genome position (GRCh38, 1-based): chr16:27,631,074, G>A. VCF-style: chr16-27631074-G-A. GRCh37 (hg19) VCF-style: chr16-27642395-G-A.
Other names: c.320G>A (NM_015202.2); short protein forms R107Q.
Identifiers: ClinVar variation 2136703 (VCV002136703.6), dbSNP rs770789446, ClinGen allele CA7977288.

ClinVar aggregate classification (germline): Conflicting classifications of pathogenicity. Review status: criteria provided, conflicting classifications (1 of 4 stars). 3 submissions from 3 submitters: Uncertain significance (2); Likely benign (1). Last evaluated 2025-05-17.

Allele frequency attached by ClinVar (database versions not stated): TOPMed 0.00001; gnomAD 0.00006; gnomAD exomes 0.00008; ExAC 0.00058.
gnomAD v4.1: 129 of 1,568,522 alleles (0.0082%); highest among the groups gnomAD compares: South Asian, 0.1%; 3 homozygotes.

Submissions (3):

Ambry Genetics
Classification: Uncertain significance. Last evaluated: 2025-05-17. Review status: criteria provided, single submitter. Criteria: Ambry Variant Classification Scheme 2023. Collection method: clinical testing. Allele origin: germline.

Blueprint Genetics
Classification: Likely benign. Last evaluated: 2024-11-21. Review status: criteria provided, single submitter. Criteria: ACMG Guidelines, 2015. Collection method: clinical testing. Allele origin: germline.

Labcorp Genetics (formerly Invitae), Labcorp
Classification: Uncertain significance. Last evaluated: 2022-11-22. Review status: criteria provided, single submitter. Criteria: Invitae Variant Classification Sherloc (09022015). Collection method: clinical testing. Allele origin: germline.
Comment: This sequence change replaces arginine, which is basic and polar, with glutamine, which is neutral and polar, at codon 107 of the KIAA0556 protein (p.Arg107Gln). This variant is present in population databases (rs770789446, gnomAD 0.1%). This variant has not been reported in the literature in individuals affected with KIAA0556-related conditions. Algorithms developed to predict the effect of missense changes on protein structure and function output the following: SIFT: "Tolerated"; PolyPhen-2: "Benign"; Align-GVGD: "Class C0". The glutamine amino acid residue is found in multiple mammalian species, which suggests that this missense change does not adversely affect protein function. In summary, the available evidence is currently insufficient to determine the role of this variant in disease. Therefore, it has been classified as a Variant of Uncertain Significance.